The following is an entry in ClinVar:

ClinVar aggregate classification (germline): Pathogenic/Likely pathogenic. Review status: criteria provided, multiple submitters, no conflicts (2 of 4 stars). 2 submissions from 2 submitters: Pathogenic (1); Likely pathogenic (1). Last evaluated 2025-08-18.

Conditions:
Vici syndrome (VICIS). Identifiers: Orphanet 1493, MedGen C1855772, MONDO:0009452, OMIM 242840.

Submissions (2):

GeneDx
Classification: Pathogenic. Last evaluated: 2025-08-18. Review status: criteria provided, single submitter. Criteria: GeneDx Variant Classification Process June 2021. Collection method: clinical testing. Allele origin: germline.
Comment: Identified in an individual with autism spectrum disorder (PMID: 26633542); Canonical splice site variant predicted to result in an in-frame loss of the adjacent exon in a gene for which loss of function is a known mechanism of disease; Not observed at significant frequency in large population cohorts (gnomAD); This variant is associated with the following publications: (PMID: 26633542)

Labcorp Genetics (formerly Invitae), Labcorp
Classification: Likely pathogenic for Vici syndrome. Last evaluated: 2024-04-05. Review status: criteria provided, single submitter. Criteria: Invitae Variant Classification Sherloc (09022015). Collection method: clinical testing. Allele origin: germline.
Comment: This sequence change affects a splice site in intron 20 of the EPG5 gene. It is expected to disrupt RNA splicing. Variants that disrupt the donor or acceptor splice site typically lead to a loss of protein function (PMID: 16199547), and loss-of-function variants in EPG5 are known to be pathogenic (PMID: 23222957, 23674064). This variant is not present in population databases (gnomAD no frequency). This variant has not been reported in the literature in individuals affected with EPG5-related conditions. ClinVar contains an entry for this variant (Variation ID: 1508054). Algorithms developed to predict the effect of sequence changes on RNA splicing suggest that this variant may disrupt the consensus splice site. In summary, the currently available evidence indicates that the variant is pathogenic, but additional data are needed to prove that conclusively. Therefore, this variant has been classified as Likely Pathogenic.

Literature cited by the submitters: PubMed 16199547 (cited by Labcorp Genetics (formerly Invitae), Labcorp); PubMed 23222957 (cited by Labcorp Genetics (formerly Invitae), Labcorp); PubMed 23674064 (cited by Labcorp Genetics (formerly Invitae), Labcorp).

NM_020964.3(EPG5):c.3693+2_3693+5del

Gene: EPG5 (ectopic P-granules 5 autophagy tethering factor; minus strand). Cytogenetic location: 18q21.1.
Variant type: Deletion.
Coding change: c.3693+2_3693+5del on transcript NM_020964.3 (MANE Select); the canonical splice donor site of the intron after coding-DNA position 3693 through 5 bases into the intron after coding-DNA position 3693, 4 bases deleted (TAGG; older notation c.3693+2_3693+5delTAGG).
Molecular consequence: splice donor variant.
Genome position (GRCh38, 1-based): chr18:45,915,506-45,915,509, CCTA deleted on the plus strand (TAGG on the coding strand, the reverse complement: EPG5 is on the minus strand); deleting any 4 consecutive bases within chr18:45,915,506-45,915,512 gives the same sequence; the c. name uses the placement nearest the transcript's 3' end. VCF-style (leftmost placement, unchanged base first): chr18-45915505-TCCTA-T. GRCh37 (hg19) VCF-style: chr18-43495470-TCCTA-T.
Identifiers: ClinVar variation 1508054 (VCV001508054.9), dbSNP rs2050008898, ClinGen allele CA2300593148.